The following is an entry in ClinVar:

NM_020638.3(FGF23):c.133G>A (p.Ala45Thr)

Gene: FGF23 (fibroblast growth factor 23; minus strand). Cytogenetic location: 12p13.32.
Variant type: single nucleotide variant.
Coding change: c.133G>A on transcript NM_020638.3 (MANE Select); coding-DNA position 133, G replaced by A.
Protein change: p.Ala45Thr; replaces alanine 45 with threonine.
Molecular consequence: missense variant.
Genome position (GRCh38, 1-based): chr12:4,379,450, C>T on the plus strand (G>A on the coding strand, the complement: FGF23 is on the minus strand). VCF-style: chr12-4379450-C-T. GRCh37 (hg19) VCF-style: chr12-4488616-C-T.
Other names: c.133G>A (NM_020638.2); short protein forms A45T.
Identifiers: ClinVar variation 2980276 (VCV002980276.5), dbSNP rs754931370, ClinGen allele CA6395776.

ClinVar aggregate classification (germline): Uncertain significance. Review status: criteria provided, multiple submitters, no conflicts (2 of 4 stars). 3 submissions from 3 submitters: Uncertain significance (3). Last evaluated 2026-07-14.

Conditions:
Inborn genetic diseases. Identifiers: MedGen C0950123, MeSH D030342.
Tumoral calcinosis, hyperphosphatemic, familial, 2. Identifiers: MedGen C4693863, MONDO:0060714, OMIM 617993.
Autosomal dominant hypophosphatemic rickets (ADHR). Also called: HYPOPHOSPHATEMIA, AUTOSOMAL DOMINANT; VITAMIN D-RESISTANT RICKETS, AUTOSOMAL DOMINANT. Identifiers: Orphanet 89937, MedGen C0342642, MONDO:0008660, OMIM 193100.

Allele frequency attached by ClinVar (database versions not stated): gnomAD exomes below 0.00001; TOPMed 0.00002; ExAC 0.00001; gnomAD 0.00001.
gnomAD v4.1: 3 of 1,613,482 alleles (0.00019%); highest among the groups gnomAD compares: African/African-American, 0.0027%; no homozygotes.

Submissions (3):

Ambry Genetics
Classification: Uncertain significance for Inborn genetic diseases. Last evaluated: 2026-07-14. Review status: criteria provided, single submitter. Criteria: Ambry Variant Classification Scheme 2023. Collection method: clinical testing. Allele origin: germline.

Fulgent Genetics
Classification: Uncertain significance for Autosomal dominant hypophosphatemic rickets; Tumoral calcinosis, hyperphosphatemic, familial, 2. Last evaluated: 2024-01-01. Review status: criteria provided, single submitter. Criteria: ACMG Guidelines, 2015. Collection method: clinical testing. Allele origin: germline.

Labcorp Genetics (formerly Invitae), Labcorp
Classification: Uncertain significance. Last evaluated: 2023-11-04. Review status: criteria provided, single submitter. Criteria: Invitae Variant Classification Sherloc (09022015). Collection method: clinical testing. Allele origin: germline.
Comment: This sequence change replaces alanine, which is neutral and non-polar, with threonine, which is neutral and polar, at codon 45 of the FGF23 protein (p.Ala45Thr). This variant is present in population databases (rs754931370, gnomAD 0.007%). This variant has not been reported in the literature in individuals affected with FGF23-related conditions. Advanced modeling of protein sequence and biophysical properties (such as structural, functional, and spatial information, amino acid conservation, physicochemical variation, residue mobility, and thermodynamic stability) has been performed at Invitae for this missense variant, however the output from this modeling did not meet the statistical confidence thresholds required to predict the impact of this variant on FGF23 protein function. In summary, the available evidence is currently insufficient to determine the role of this variant in disease. Therefore, it has been classified as a Variant of Uncertain Significance.